The following is an entry in ClinVar:

ClinVar aggregate classification (germline): Uncertain significance (1 of 4 stars; one submission).

Conditions:
Multiple acyl-CoA dehydrogenase deficiency (MADD). Also called: Glutaric acidemia type II; GA 2; Glutaric aciduria, type 2; ETHYLMALONIC-ADIPICACIDURIA; GA II; Glutaric Acidemia type 2. Identifiers: Orphanet 26791, MedGen C0268596, MONDO:0009282, OMIM 231680.

Submission:

Labcorp Genetics (formerly Invitae), Labcorp
Classification: Uncertain significance for Multiple acyl-CoA dehydrogenase deficiency. Last evaluated: 2021-04-02. Review status: criteria provided, single submitter. Criteria: Invitae Variant Classification Sherloc (09022015). Collection method: clinical testing. Allele origin: germline.
Comment: In summary, the available evidence is currently insufficient to determine the role of this variant in disease. Therefore, it has been classified as a Variant of Uncertain Significance. Algorithms developed to predict the effect of sequence changes on RNA splicing suggest that this variant may create or strengthen a splice site, but this prediction has not been confirmed by published transcriptional studies. Advanced modeling of protein sequence and biophysical properties (such as structural, functional, and spatial information, amino acid conservation, physicochemical variation, residue mobility, and thermodynamic stability) performed at Invitae indicates that this missense variant is expected to disrupt ETFDH protein function. This variant has not been reported in the literature in individuals with ETFDH-related conditions. This variant is not present in population databases (ExAC no frequency). This sequence change replaces proline with threonine at codon 606 of the ETFDH protein (p.Pro606Thr). The proline residue is highly conserved and there is a small physicochemical difference between proline and threonine.

NM_004453.4(ETFDH):c.1816C>A (p.Pro606Thr)

Gene: ETFDH (electron transfer flavoprotein dehydrogenase; plus strand). Cytogenetic location: 4q32.1.
Variant type: single nucleotide variant.
Coding change: c.1816C>A on transcript NM_004453.4 (MANE Select); coding-DNA position 1816, C replaced by A.
Protein change: p.Pro606Thr; replaces proline 606 with threonine.
Molecular consequence: missense variant.
Genome position (GRCh38, 1-based): chr4:158,708,489, C>A. VCF-style: chr4-158708489-C-A. GRCh37 (hg19) VCF-style: chr4-159629641-C-A.
Other names: c.1675C>A, p.Pro559Thr (NM_001281737.2); c.1633C>A, p.Pro545Thr (NM_001281738.1); short protein forms P606T, P559T, P545T.
Identifiers: ClinVar variation 1464362 (VCV001464362.8), dbSNP rs1292587000, ClinGen allele CA358566910.
Genomic context (GRCh38, chr4:158,708,489, plus strand): 5'-TGTGTACATTGTAAAACATGTGATATTAAAGATCCAAGTCAGAATATTAACTGGGTGGTA[C>A]CTGAAGGTGGAGGAGGACCTGCTTACAATGGAATGTAAACTGCAGCTAGCCAGTTTCTTT-3'
Protein context (NP_004444.2, residues 596-616): DPSQNINWVV[Pro606Thr]EGGGGPAYNG